The following is an entry in ClinVar:

NM_198576.4(AGRN):c.4298+6C>T

Gene: AGRN (agrin; plus strand). Cytogenetic location: 1p36.33.
Variant type: single nucleotide variant.
Coding change: c.4298+6C>T on transcript NM_198576.4 (MANE Select); 6 bases into the intron after coding-DNA position 4298, C replaced by T.
Molecular consequence: intron variant.
Genome position (GRCh38, 1-based): chr1:1,049,065, C>T. VCF-style: chr1-1049065-C-T. GRCh37 (hg19) VCF-style: chr1-984445-C-T.
Other names: c.4298+6C>T (NM_001305275.2); c.3983+6C>T (NM_001364727.2).
Identifiers: ClinVar variation 474131 (VCV000474131.13), dbSNP rs199977575, ClinGen allele CA509380.

ClinVar aggregate classification (germline): Benign/Likely benign. Review status: criteria provided, multiple submitters, no conflicts (2 of 4 stars). 2 submissions from 2 submitters: Benign (1); Likely benign (1). Last evaluated 2025-10-02.

Conditions:
Congenital myasthenic syndrome 8. Also called: MYASTHENIC SYNDROME, CONGENITAL, DUE TO AGRIN DEFICIENCY; Myasthenic syndrome, congenital, 8, with pre- and postsynaptic defects. Identifiers: Orphanet 590, MedGen C3808739, MONDO:0014052, OMIM 615120.

Allele frequency attached by ClinVar (database versions not stated): gnomAD 0.00006; ExAC 0.00007; gnomAD exomes 0.00010; ESP Exome Variant Server 0.00336; 1000 Genomes Project 0.00799.
gnomAD v4.1: 91 of 1,049,670 alleles (0.0087%); highest among the groups gnomAD compares: African/African-American, 0.065%; no homozygotes.

Submissions (3):

Labcorp Genetics (formerly Invitae), Labcorp
Classification: Benign for Congenital myasthenic syndrome 8. Last evaluated: 2025-10-02. Review status: criteria provided, single submitter. Criteria: Invitae Variant Classification Sherloc (09022015). Collection method: clinical testing. Allele origin: germline.

GeneDx
Classification: Likely benign. Last evaluated: 2018-03-06. Review status: criteria provided, single submitter. Criteria: GeneDx Variant Classification (06012015). Collection method: clinical testing. Allele origin: germline. Affected: yes.
Comment: This variant is considered likely benign or benign based on one or more of the following criteria: it is a conservative change, it occurs at a poorly conserved position in the protein, it is predicted to be benign by multiple in silico algorithms, and/or has population frequency not consistent with disease.

Dr. Peter K. Rogan Lab, Western University
No classification provided (evidence only). Condition: Uterine corpus endometrial carcinoma. Review status: no classification provided. Collection method: in vitro. Allele origin: not applicable. Functional consequence: retained intron. Not counted in ClinVar's aggregate classification.